The following is an entry in ClinVar:

NM_025137.4(SPG11):c.841G>T (p.Val281Phe)

Gene: SPG11 (SPG11 vesicle trafficking associated, spatacsin; minus strand). Cytogenetic location: 15q21.1.
Variant type: single nucleotide variant.
Coding change: c.841G>T on transcript NM_025137.4 (MANE Select); coding-DNA position 841, G replaced by T.
Protein change: p.Val281Phe; replaces valine 281 with phenylalanine.
Molecular consequence: missense variant.
Genome position (GRCh38, 1-based): chr15:44,657,123, C>A on the plus strand (G>T on the coding strand, the complement: SPG11 is on the minus strand). VCF-style: chr15-44657123-C-A. GRCh37 (hg19) VCF-style: chr15-44949321-C-A.
Other names: c.841G>T, p.Val281Phe (NM_001160227.2); short protein forms V281F.
Identifiers: ClinVar variation 852667 (VCV000852667.8), dbSNP rs754144151, ClinGen allele CA7535706.

ClinVar aggregate classification (germline): Uncertain significance. Review status: criteria provided, multiple submitters, no conflicts (2 of 4 stars). 2 submissions from 2 submitters: Uncertain significance (2). Last evaluated 2022-08-16.

Conditions:
Hereditary spastic paraplegia 11. Also called: Spastic paraplegia, mental retardation and thin corpus callosum; Nakamura Osame syndrome; Autosomal recessive hereditary spastic paraplegia, mental impairment, and thin corpus callosum; SPASTIC PARAPLEGIA, AUTOSOMAL RECESSIVE, COMPLICATED, WITH THIN CORPUS CALLOSUM; SPASTIC PARAPLEGIA, AUTOSOMAL RECESSIVE, WITH MENTAL IMPAIRMENT AND THIN CORPUS CALLOSUM; Spastic Paraplegia 11. Identifiers: Orphanet 2822, MedGen C1858479, MONDO:0011445, OMIM 604360.

Allele frequency attached by ClinVar (database versions not stated): gnomAD exomes 0.00001 and 0.00003; ExAC 0.00002; TOPMed 0.00004; gnomAD 0.00006 and 0.00007.
gnomAD v4.1: 21 of 1,613,970 alleles (0.0013%); highest among the groups gnomAD compares: Admixed American, 0.015%; no homozygotes.

Submissions (2):

Labcorp Genetics (formerly Invitae), Labcorp
Classification: Uncertain significance for Hereditary spastic paraplegia 11. Last evaluated: 2022-08-16. Review status: criteria provided, single submitter. Criteria: Invitae Variant Classification Sherloc (09022015). Collection method: clinical testing. Allele origin: germline.
Comment: This sequence change replaces valine, which is neutral and non-polar, with phenylalanine, which is neutral and non-polar, at codon 281 of the SPG11 protein (p.Val281Phe). This variant is present in population databases (rs754144151, gnomAD 0.006%). This variant has not been reported in the literature in individuals affected with SPG11-related conditions. ClinVar contains an entry for this variant (Variation ID: 852667). Algorithms developed to predict the effect of missense changes on protein structure and function are either unavailable or do not agree on the potential impact of this missense change (SIFT: "Deleterious"; PolyPhen-2: "Benign"; Align-GVGD: "Class C0"). In summary, the available evidence is currently insufficient to determine the role of this variant in disease. Therefore, it has been classified as a Variant of Uncertain Significance.

Blueprint Genetics
Classification: Uncertain significance. Last evaluated: 2022-06-13. Review status: criteria provided, single submitter. Criteria: ACMG Guidelines, 2015. Collection method: clinical testing. Allele origin: germline.